The following is an entry in ClinVar:

ClinVar aggregate classification (germline): Uncertain significance. Review status: criteria provided, multiple submitters, no conflicts (2 of 4 stars). 5 submissions from 5 submitters: Uncertain significance (5). Last evaluated 2026-01-26.

Conditions:
Hereditary cancer-predisposing syndrome. Also called: Tumor predisposition; Hereditary Cancer Syndrome; Neoplastic Syndromes, Hereditary; Hereditary neoplastic syndrome. Identifiers: Orphanet 140162, MedGen C0027672, MeSH D009386, MONDO:0015356.

Allele frequency attached by ClinVar (database versions not stated): gnomAD 0.00003 and 0.00004; TOPMed 0.00003; gnomAD exomes 0.00004; ExAC 0.00006.
gnomAD v4.1: 29 of 1,609,560 alleles (0.0018%); highest among the groups gnomAD compares: African/African-American, 0.011%; no homozygotes.

Submissions (5):

Labcorp Genetics (formerly Invitae), Labcorp
Classification: Uncertain significance. Last evaluated: 2026-01-26. Review status: criteria provided, single submitter. Criteria: Invitae Variant Classification Sherloc (09022015). Collection method: clinical testing. Allele origin: germline.
Comment: This sequence change replaces asparagine, which is neutral and polar, with serine, which is neutral and polar, at codon 960 of the POLE protein (p.Asn960Ser). This variant is present in population databases (rs746311547, gnomAD 0.02%). This variant has not been reported in the literature in individuals affected with POLE-related conditions. ClinVar contains an entry for this variant (Variation ID: 246452). Invitae Evidence Modeling of protein sequence and biophysical properties (such as structural, functional, and spatial information, amino acid conservation, physicochemical variation, residue mobility, and thermodynamic stability) indicates that this missense variant is expected to disrupt POLE protein function with a positive predictive value of 80%. In summary, the available evidence is currently insufficient to determine the role of this variant in disease. Therefore, it has been classified as a Variant of Uncertain Significance.

GeneDx
Classification: Uncertain significance. Last evaluated: 2025-03-25. Review status: criteria provided, single submitter. Criteria: GeneDx Variant Classification Process June 2021. Collection method: clinical testing. Allele origin: germline. Affected: yes.
Comment: In silico analysis supports that this missense variant has a deleterious effect on protein structure/function; Has not been previously published as pathogenic or benign to our knowledge; This variant is associated with the following publications: (PMID: 20951805)

Center for Genomic Medicine, Rigshospitalet, Copenhagen University Hospital
Classification: Uncertain significance. Last evaluated: 2025-03-04. Review status: criteria provided, single submitter. Criteria: ACMG Guidelines, 2015. Collection method: clinical testing. Allele origin: germline.

Ambry Genetics
Classification: Uncertain significance for Hereditary cancer-predisposing syndrome. Last evaluated: 2024-12-31. Review status: criteria provided, single submitter. Criteria: Ambry Variant Classification Scheme 2023. Collection method: clinical testing. Allele origin: germline.
Comment: The p.N960S variant (also known as c.2879A>G), located in coding exon 25 of the POLE gene, results from an A to G substitution at nucleotide position 2879. The asparagine at codon 960 is replaced by serine, an amino acid with highly similar properties. This amino acid position is highly conserved in available vertebrate species. In addition, this alteration is predicted to be tolerated by in silico analysis. Based on the available evidence, the clinical significance of this variant remains unclear.

CeGaT Center for Human Genetics Tuebingen
Classification: Uncertain significance. Last evaluated: 2024-12-01. Review status: criteria provided, single submitter. Criteria: CeGaT Center For Human Genetics Tuebingen Variant Classification Criteria Version 2. Collection method: clinical testing. Allele origin: germline. Affected: yes. Observed: 1 variant allele.
Comment: POLE: PM2

NM_006231.4(POLE):c.2879A>G (p.Asn960Ser)

Gene: POLE (DNA polymerase epsilon, catalytic subunit; minus strand). Cytogenetic location: 12q24.33.
Variant type: single nucleotide variant.
Coding change: c.2879A>G on transcript NM_006231.4 (MANE Select); coding-DNA position 2879, A replaced by G.
Protein change: p.Asn960Ser; replaces asparagine 960 with serine.
Molecular consequence: missense variant.
Genome position (GRCh38, 1-based): chr12:132,661,150, T>C on the plus strand (A>G on the coding strand, the complement: POLE is on the minus strand). VCF-style: chr12-132661150-T-C. GRCh37 (hg19) VCF-style: chr12-133237736-T-C.
Other names: short protein forms N960S.
Identifiers: ClinVar variation 246452 (VCV000246452.31), dbSNP rs746311547, ClinGen allele CA6893411.